The following is an entry in ClinVar:

ClinVar aggregate classification (germline): Uncertain significance (1 of 4 stars; one submission).

Conditions:
Inborn genetic diseases. Identifiers: MedGen C0950123, MeSH D030342.

Submission:

Ambry Genetics
Classification: Uncertain significance for Inborn genetic diseases. Last evaluated: 2025-01-25. Review status: criteria provided, single submitter. Criteria: Ambry Variant Classification Scheme 2023. Collection method: clinical testing. Allele origin: germline.
Comment: The p.H413Y variant (also known as c.1237C>T) is located in coding exon 6 of the SH2B3 gene. The histidine at codon 413 is replaced by tyrosine, an amino acid with similar properties. This change occurs in the first base pair of coding exon 6. This amino acid position is conserved. In addition, this alteration is predicted to be deleterious by in silico analysis. Based on the available evidence, the clinical significance of this variant remains unclear.

NM_005475.3(SH2B3):c.1237C>T (p.His413Tyr)

Gene: SH2B3 (SH2B adaptor protein 3; plus strand). Cytogenetic location: 12q24.12.
Variant type: single nucleotide variant.
Coding change: c.1237C>T on transcript NM_005475.3 (MANE Select); coding-DNA position 1237, C replaced by T.
Protein change: p.His413Tyr; replaces histidine 413 with tyrosine.
Molecular consequence: missense variant.
Genome position (GRCh38, 1-based): chr12:111,447,656, C>T. VCF-style: chr12-111447656-C-T. GRCh37 (hg19) VCF-style: chr12-111885460-C-T.
Other names: c.631C>T, p.His211Tyr (NM_001291424.1); short protein forms H413Y, H211Y.
Identifiers: ClinVar variation 3795135 (VCV003795135.1).